The following is an entry in ClinVar:

NM_017849.4(TMEM127):c.245-1G>A

Gene: TMEM127 (transmembrane protein 127; minus strand). Cytogenetic location: 2q11.2.
Variant type: single nucleotide variant.
Coding change: c.245-1G>A on transcript NM_017849.4 (MANE Select); the canonical splice acceptor site of the intron before coding-DNA position 245, G replaced by A.
Molecular consequence: splice acceptor variant.
Genome position (GRCh38, 1-based): chr2:96,254,998, C>T on the plus strand (G>A on the coding strand, the complement: TMEM127 is on the minus strand). VCF-style: chr2-96254998-C-T. GRCh37 (hg19) VCF-style: chr2-96920736-C-T.
Other names: c.-8-1G>A (NM_001407283.1, NM_001407282.1); c.245-1G>A (NM_001193304.3).
Identifiers: ClinVar variation 1791501 (VCV001791501.6), dbSNP rs121908821, ClinGen allele CA347653757.

ClinVar aggregate classification (germline): Pathogenic/Likely pathogenic. Review status: criteria provided, multiple submitters, no conflicts (2 of 4 stars). 3 submissions from 3 submitters: Pathogenic (2); Likely pathogenic (1). Last evaluated 2025-05-16.

Conditions:
Hereditary cancer-predisposing syndrome. Also called: Tumor predisposition; Hereditary Cancer Syndrome; Hereditary neoplastic syndrome; Neoplastic Syndromes, Hereditary. Identifiers: Orphanet 140162, MedGen C0027672, MeSH D009386, MONDO:0015356.
Hereditary pheochromocytoma and paraganglioma. Also called: Hereditary paragangliomas and pheochromocytomas; Hereditary Paraganglioma-Pheochromocytoma Syndromes; Hereditary pheochromocytoma-paraganglioma. Identifiers: Orphanet 29072, MedGen C4274332, MONDO:0017366.

Submissions (4):

MVZ Martinsried, Medicover Genetics
Classification: Likely pathogenic for Hereditary pheochromocytoma and paraganglioma. Last evaluated: 2025-05-16. Review status: criteria provided, single submitter. Criteria: ACGS Guidelines, 2020. Collection method: clinical testing. Allele origin: inherited. Observed: 1 heterozygote.

Labcorp Genetics (formerly Invitae), Labcorp
Classification: Pathogenic for Hereditary pheochromocytoma and paraganglioma. Last evaluated: 2024-10-28. Review status: criteria provided, single submitter. Criteria: Invitae Variant Classification Sherloc (09022015). Collection method: clinical testing. Allele origin: germline.
Comment: This sequence change affects an acceptor splice site in intron 2 of the TMEM127 gene. RNA analysis indicates that disruption of this splice site induces altered splicing and may result in an absent or altered protein product. This variant is not present in population databases (gnomAD no frequency). Disruption of this splice site has been observed in individual(s) with TMEM127-related conditions (PMID: 20154675). ClinVar contains an entry for this variant (Variation ID: 1791501). Studies have shown that disruption of this splice site results in activation of a cryptic splice site, and produces a non-functional protein and/or introduces a premature termination codon (internal data). For these reasons, this variant has been classified as Pathogenic.

Ambry Genetics
Classification: Pathogenic for Hereditary cancer-predisposing syndrome. Last evaluated: 2022-03-30. Review status: criteria provided, single submitter. Criteria: Ambry Variant Classification Scheme 2023. Collection method: clinical testing. Allele origin: germline.
Comment: The c.245-1G>A intronic pathogenic mutation results from a G to A substitution one nucleotide upstream from coding exon 2 of the TMEM127 gene. RNA studies have demonstrated that this alteration results in abnormal splicing in the set of samples tested (Ambry internal data). Another alteration impacting the same acceptor site (c.245-1G>C) has been observed in multiple individuals with a personal and/or family history that is consistent with TMEM127-related disease (Ambry internal data). This variant is considered to be rare based on population cohorts in the Genome Aggregation Database (gnomAD). This nucleotide position is highly conserved in available vertebrate species. In silico splice site analysis predicts that this alteration will weaken the native splice acceptor site and will result in the creation or strengthening of a novel splice acceptor site. Based on the supporting evidence, this alteration is interpreted as a disease-causing mutation.

Dr. Peter K. Rogan Lab, Western University
No classification provided (evidence only). Condition: Lymphoma. Review status: no classification provided. Collection method: in vitro. Allele origin: not applicable. Functional consequence: retained intron. Not counted in ClinVar's aggregate classification.

Literature cited by the submitters: PubMed 20154675 (cited by Labcorp Genetics (formerly Invitae), Labcorp).